The following is an entry in ClinVar:

ClinVar aggregate classification (germline): Uncertain significance (1 of 4 stars; one submission).

Conditions:
Hereditary cancer-predisposing syndrome. Also called: Hereditary Cancer Syndrome; Hereditary neoplastic syndrome; Neoplastic Syndromes, Hereditary; Tumor predisposition. Identifiers: Orphanet 140162, MedGen C0027672, MeSH D009386, MONDO:0015356.

Submission:

Ambry Genetics
Classification: Uncertain significance for Hereditary cancer-predisposing syndrome. Last evaluated: 2025-08-11. Review status: criteria provided, single submitter. Criteria: Ambry Variant Classification Scheme 2023. Collection method: clinical testing. Allele origin: germline.
Comment: The p.V819A variant (also known as c.2456T>C), located in coding exon 20 of the EGFR gene, results from a T to C substitution at nucleotide position 2456. The valine at codon 819 is replaced by alanine, an amino acid with similar properties. This amino acid position is highly conserved in available vertebrate species. In addition, the in silico prediction for this alteration is inconclusive. Based on the available evidence, the clinical significance of this variant remains unclear.

NM_005228.5(EGFR):c.2456T>C (p.Val819Ala)

Genes: EGFR (epidermal growth factor receptor; plus strand), EGFR-AS1 (EGFR antisense RNA 1; minus strand). Cytogenetic location: 7p11.2.
Variant type: single nucleotide variant.
Coding change: c.2456T>C on transcript NM_005228.5 (MANE Select); coding-DNA position 2456, T replaced by C.
Protein change: p.Val819Ala; replaces valine 819 with alanine.
Molecular consequence: missense variant. On other transcripts: non-coding transcript variant (1).
Genome position (GRCh38, 1-based): chr7:55,181,465, T>C. VCF-style: chr7-55181465-T-C. GRCh37 (hg19) VCF-style: chr7-55249158-T-C.
Other names: c.2321T>C, p.Val774Ala (NM_001346897.2, NM_001346899.2); c.2456T>C, p.Val819Ala (NM_001346898.2); c.2297T>C, p.Val766Ala (NM_001346900.2); c.1655T>C, p.Val552Ala (NM_001346941.2); short protein forms V552A, V766A, V819A, V774A.
Identifiers: ClinVar variation 4247340 (VCV004247340.1).